The following is an entry in ClinVar:

NM_152383.5(DIS3L2):c.2031G>A (p.Ser677=)

Gene: DIS3L2 (DIS3 like 3'-5' exoribonuclease 2; plus strand). Cytogenetic location: 2q37.1.
Variant type: single nucleotide variant.
Coding change: c.2031G>A on transcript NM_152383.5 (MANE Select); coding-DNA position 2031, G replaced by A.
Protein change: p.Ser677=; no amino-acid change (serine 677 retained).
Molecular consequence: synonymous variant. On other transcripts: non-coding transcript variant (2), intron variant (1).
Genome position (GRCh38, 1-based): chr2:232,333,860, G>A. VCF-style: chr2-232333860-G-A. GRCh37 (hg19) VCF-style: chr2-233198570-G-A.
Other names: c.1582-9485G>A (NM_001257281.2).
Identifiers: ClinVar variation 410746 (VCV000410746.12), dbSNP rs370261055, ClinGen allele CA2164378.

ClinVar aggregate classification (germline): Conflicting classifications of pathogenicity. Review status: criteria provided, conflicting classifications (1 of 4 stars). 3 submissions from 3 submitters: Uncertain significance (2); Likely benign (1). Last evaluated 2026-02-20.

Conditions:
DIS3L2-related disorder. Also called: DIS3L2-related condition.
Perlman syndrome (PRLMNS). Identifiers: Orphanet 2849, MedGen C0796113, MONDO:0009965, OMIM 267000.

Allele frequency attached by ClinVar (database versions not stated): gnomAD exomes 0.00005; ExAC 0.00007; gnomAD 0.00013 and 0.00014; TOPMed 0.00013; ESP Exome Variant Server 0.00039.
gnomAD v4.1: 33 of 1,612,282 alleles (0.002%); highest among the groups gnomAD compares: African/African-American, 0.035%; no homozygotes.

Submissions (3):

St. Jude Molecular Pathology, St. Jude Children's Research Hospital
Classification: Uncertain significance for Perlman syndrome. Last evaluated: 2026-02-20. Review status: criteria provided, single submitter. Criteria: St. Jude Assertion Criteria 2020. Collection method: clinical testing. Allele origin: germline.
Comment: The DIS3L2 c.2031G>A p.(Ser677=) synonymous change has a maximum subpopulation frequency of 0.04% in gnomAD v2.1.1. Algorithms that predict the impact of sequence changes on splicing indicate that this change may impact splicing but to our knowledge these predictions have not been confirmed by RNA studies. To our knowledge, this v ariant has not been reported in individuals with DIS3L2-associated conditions. In summary, the evidence currently available is insufficient to determine the clinical significance of this variant. It has therefore been classified as of uncertain significance.

Labcorp Genetics (formerly Invitae), Labcorp
Classification: Likely benign for Perlman syndrome. Last evaluated: 2025-11-11. Review status: criteria provided, single submitter. Criteria: Invitae Variant Classification Sherloc (09022015). Collection method: clinical testing. Allele origin: germline.

PreventionGenetics, part of Exact Sciences
Classification: Uncertain significance for DIS3L2-related condition. Last evaluated: 2025-01-15. Review status: criteria provided, single submitter. Criteria: ACMG Guidelines, 2015. Collection method: clinical testing. Allele origin: germline.
Comment: The DIS3L2 c.2031G>A variant is not predicted to result in an amino acid change (p.=). However, this variant is predicted to possibly impact splicing (SpliceAI, Jaganathan K, et al. 2019. PubMed ID: 30661751). To our knowledge, this variant has not been reported in the literature. This variant is reported in 0.039% of alleles in individuals of African descent in gnomAD. This variant is interpreted as likely benign in ClinVar. Although we suspect that this variant may be benign, at this time, the clinical significance of this variant is uncertain due to the absence of conclusive functional and genetic evidence.